The following is an entry in ClinVar:

ClinVar aggregate classification (germline): Uncertain significance (1 of 4 stars; one submission).

Conditions:
DICER1-related tumor predisposition. Also called: DICER1 syndrome; DICER1-related pleuropulmonary blastoma cancer predisposition syndrome. Identifiers: Orphanet 284343, MedGen C3839822, MONDO:0100216.

Submission:

Labcorp Genetics (formerly Invitae), Labcorp
Classification: Uncertain significance for DICER1-related tumor predisposition. Last evaluated: 2022-08-29. Review status: criteria provided, single submitter. Criteria: Invitae Variant Classification Sherloc (09022015). Collection method: clinical testing. Allele origin: germline.
Comment: This sequence change replaces proline, which is neutral and non-polar, with leucine, which is neutral and non-polar, at codon 8 of the DICER1 protein (p.Pro8Leu). This variant is not present in population databases (gnomAD no frequency). This variant has not been reported in the literature in individuals affected with DICER1-related conditions. Algorithms developed to predict the effect of missense changes on protein structure and function (SIFT, PolyPhen-2, Align-GVGD) all suggest that this variant is likely to be tolerated. In summary, the available evidence is currently insufficient to determine the role of this variant in disease. Therefore, it has been classified as a Variant of Uncertain Significance.

NM_177438.3(DICER1):c.23C>T (p.Pro8Leu)

Gene: DICER1 (dicer 1, ribonuclease III; minus strand). Cytogenetic location: 14q32.13.
Variant type: single nucleotide variant.
Coding change: c.23C>T on transcript NM_177438.3 (MANE Select); coding-DNA position 23, C replaced by T.
Protein change: p.Pro8Leu; replaces proline 8 with leucine.
Molecular consequence: missense variant. On other transcripts: 5 prime UTR variant (8), non-coding transcript variant (6), intron variant (1).
Genome position (GRCh38, 1-based): chr14:95,133,436, G>A on the plus strand (C>T on the coding strand, the complement: DICER1 is on the minus strand). VCF-style: chr14-95133436-G-A. GRCh37 (hg19) VCF-style: chr14-95599773-G-A.
Other names: c.23C>T, p.Pro8Leu (NM_001195573.1, NM_001271282.3, NM_001291628.2 and 15 more transcripts); c.-252C>T (NM_001395686.1, NM_001395688.1, NM_001395689.1 and 3 more transcripts); c.-436C>T (NM_001395691.1); c.-1546C>T (NM_001395697.1); c.-130-759C>T (NM_001395687.1); short protein forms P8L.
Identifiers: ClinVar variation 2416880 (VCV002416880.6), dbSNP rs1894130122, ClinGen allele CA390890779.